The following is an entry in ClinVar:

NM_001356.5(DDX3X):c.1493C>T (p.Thr498Ile)

Gene: DDX3X (DEAD-box helicase 3 X-linked; plus strand). Cytogenetic location: Xp11.4.
Variant type: single nucleotide variant.
Coding change: c.1493C>T on transcript NM_001356.5 (MANE Select); coding-DNA position 1493, C replaced by T.
Protein change: p.Thr498Ile; replaces threonine 498 with isoleucine.
Molecular consequence: missense variant. On other transcripts: non-coding transcript variant (1).
Genome position (GRCh38, 1-based): chrX:41,346,406, C>T. VCF-style: chrX-41346406-C-T. GRCh37 (hg19) VCF-style: chrX-41205659-C-T.
Other names: c.1493C>T, p.Thr498Ile (NM_001193416.3); c.1445C>T, p.Thr482Ile (NM_001193417.3); c.935C>T, p.Thr312Ile (NM_001363819.1); short protein forms T498I, T482I, T312I.
Identifiers: ClinVar variation 426897 (VCV000426897.3), dbSNP rs200427211, ClinGen allele CA412775929.

ClinVar aggregate classification (germline): Pathogenic (1 of 4 stars; one submission).

Submission:

GeneDx
Classification: Pathogenic. Last evaluated: 2025-10-10. Review status: criteria provided, single submitter. Criteria: GeneDx Variant Classification Process June 2021. Collection method: clinical testing. Allele origin: germline. Affected: yes.
Comment: Not observed at significant frequency in large population cohorts (gnomAD); In silico analysis supports that this missense variant has a deleterious effect on protein structure/function; This variant is associated with the following publications: (PMID: 33057194, 35982159, 32135084)